The following is an entry in ClinVar:

ClinVar aggregate classification (germline): Uncertain significance. Review status: criteria provided, multiple submitters, no conflicts (2 of 4 stars). 5 submissions from 5 submitters: Uncertain significance (4). 1 of the submissions does not count toward it. Last evaluated 2024-11-01.

Conditions:
Alstrom syndrome (ALMS). Identifiers: Orphanet 64, MedGen C0268425, MONDO:0008763, OMIM 203800.
Cardiovascular phenotype. Identifiers: MedGen CN230736.

Allele frequency attached by ClinVar (database versions not stated): ExAC 0.00002; gnomAD exomes 0.00004; TOPMed 0.00008; gnomAD 0.00009 and 0.00010; ESP Exome Variant Server 0.00015.
gnomAD v4.1: 75 of 1,614,020 alleles (0.0046%); highest among the groups gnomAD compares: Non-Finnish European, 0.0059%; no homozygotes.

Submissions (5):

Blueprint Genetics
Classification: Uncertain significance. Last evaluated: 2024-11-01. Review status: criteria provided, single submitter. Criteria: ACMG Guidelines, 2015. Collection method: clinical testing. Allele origin: germline.

GeneDx
Classification: Uncertain significance. Last evaluated: 2024-06-30. Review status: criteria provided, single submitter. Criteria: GeneDx Variant Classification Process June 2021. Collection method: clinical testing. Allele origin: germline. Affected: yes.
Comment: Not observed at significant frequency in large population cohorts (gnomAD); In silico analysis indicates that this missense variant does not alter protein structure/function; Has not been previously published as pathogenic or benign to our knowledge

Labcorp Genetics (formerly Invitae), Labcorp
Classification: Uncertain significance for Alstrom syndrome. Last evaluated: 2022-07-12. Review status: criteria provided, single submitter. Criteria: Invitae Variant Classification Sherloc (09022015). Collection method: clinical testing. Allele origin: germline.
Comment: This sequence change replaces leucine, which is neutral and non-polar, with proline, which is neutral and non-polar, at codon 4030 of the ALMS1 protein (p.Leu4030Pro). This variant is present in population databases (rs372910832, gnomAD 0.01%). This variant has not been reported in the literature in individuals affected with ALMS1-related conditions. ClinVar contains an entry for this variant (Variation ID: 656629). Algorithms developed to predict the effect of missense changes on protein structure and function output the following: SIFT: "Not Available"; PolyPhen-2: "Not Available"; Align-GVGD: "Not Available". The proline amino acid residue is found in multiple mammalian species, which suggests that this missense change does not adversely affect protein function. In summary, the available evidence is currently insufficient to determine the role of this variant in disease. Therefore, it has been classified as a Variant of Uncertain Significance.

Ambry Genetics
Classification: Uncertain significance for Cardiovascular phenotype. Last evaluated: 2021-12-09. Review status: criteria provided, single submitter. Criteria: Ambry Variant Classification Scheme 2023. Collection method: clinical testing. Allele origin: germline.

Natera, Inc.
Classification: Uncertain significance for Alstrom syndrome. Last evaluated: 2021-01-19. Review status: no assertion criteria provided. Collection method: clinical testing. Allele origin: germline. Not counted in ClinVar's aggregate classification.

NM_001378454.1(ALMS1):c.12086T>C (p.Leu4029Pro)

Genes: ALMS1 (ALMS1 centrosome and basal body associated protein; plus strand), LOC126806252 (BRD4-independent group 4 enhancer GRCh37_chr2:73828496-73829695; plus strand). Cytogenetic location: 2p13.1.
Variant type: single nucleotide variant.
Coding change: c.12086T>C on transcript NM_001378454.1 (MANE Select); coding-DNA position 12086, T replaced by C.
Protein change: p.Leu4029Pro; replaces leucine 4029 with proline.
Molecular consequence: missense variant.
Genome position (GRCh38, 1-based): chr2:73,601,408, T>C. VCF-style: chr2-73601408-T-C. GRCh37 (hg19) VCF-style: chr2-73828535-T-C.
Other names: c.12089T>C, p.Leu4030Pro (NM_015120.4); short protein forms L4030P, L4029P.
Identifiers: ClinVar variation 656629 (VCV000656629.13), dbSNP rs372910832, ClinGen allele CA1715419.